The following is an entry in ClinVar:

NM_001470.4(GABBR1):c.674CCA[1] (p.Thr226del)

Gene: GABBR1 (gamma-aminobutyric acid type B receptor subunit 1; minus strand). Cytogenetic location: 6p22.1.
Variant type: Microsatellite.
Coding change: c.674CCA[1] on transcript NM_001470.4 (MANE Select); one copy of the 3-base unit CCA starting at c.674; the reference has two copies in a row; one copy, 3 bases deleted.
Protein change: p.Thr226del; deletes threonine 226.
Genome position (GRCh38, 1-based): chr6:29,624,003-29,624,005, TGG deleted on the plus strand (CCA on the coding strand, the reverse complement: GABBR1 is on the minus strand); deleting any 3 consecutive bases within chr6:29,624,003-29,624,008 gives the same sequence; the position shown is the placement nearest the transcript's 3' end. VCF-style (leftmost placement, unchanged base first): chr6-29624002-TTGG-T. GRCh37 (hg19) VCF-style: chr6-29591779-TTGG-T.
Other names: c.143CCA[1], p.Thr49del (NM_001319053.2); c.323CCA[1], p.Thr109del (NM_021903.3); c.488CCA[1], p.Thr164del (NM_021904.4); short protein forms T109del, T164del, T226del, T49del.
Identifiers: ClinVar variation 3361408 (VCV003361408.2).

ClinVar aggregate classification (germline): Uncertain significance (1 of 4 stars; one submission).

Submission:

GeneDx
Classification: Uncertain significance. Last evaluated: 2026-05-12. Review status: criteria provided, single submitter. Criteria: GeneDx Variant Classification Process June 2021. Collection method: clinical testing. Allele origin: germline.
Comment: Not observed at significant frequency in large population cohorts (gnomAD); In-frame deletion of 1 amino acid in a non-repeat region; In silico analysis supports a deleterious effect on protein structure/function; Has not been previously published as pathogenic or benign to our knowledge